The following is an entry in ClinVar:

NM_000180.4(GUCY2D):c.1852G>A (p.Val618Ile)

Gene: GUCY2D (guanylate cyclase 2D, retinal; plus strand). Cytogenetic location: 17p13.1.
Variant type: single nucleotide variant.
Coding change: c.1852G>A on transcript NM_000180.4 (MANE Select); coding-DNA position 1852, G replaced by A.
Protein change: p.Val618Ile; replaces valine 618 with isoleucine.
Molecular consequence: missense variant.
Genome position (GRCh38, 1-based): chr17:8,012,246, G>A. VCF-style: chr17-8012246-G-A. GRCh37 (hg19) VCF-style: chr17-7915564-G-A.
Other names: short protein forms V618I.
Identifiers: ClinVar variation 1004719 (VCV001004719.7), dbSNP rs767258249, ClinGen allele CA8365917.
Genomic context (GRCh38, chr17:8,012,246, plus strand): 5'-CTTTTCCTGGCTCGGGGAGCAGAAGGCCCTGCGGCCCTCTGGGAGGGCAACCTGGCTGTG[G>A]TCTCAGAGCACTGCACGCGGGGCTCTCTTCAGGACCTCCTCGCTCAGAGAGAAATAAAGC-3'
Protein context (NP_000171.1, residues 608-628): AALWEGNLAV[Val618Ile]SEHCTRGSLQ

ClinVar aggregate classification (germline): Uncertain significance. Review status: criteria provided, multiple submitters, no conflicts (2 of 4 stars). 2 submissions from 2 submitters: Uncertain significance (2). Last evaluated 2024-01-29.

Conditions:
Cone-rod dystrophy 6 (CORD6). Also called: Cone dystrophy progressive; RETINAL CONE DYSTROPHY 2. Identifiers: Orphanet 1872, MedGen C1866293, MONDO:0011143, OMIM 601777.
Leber congenital amaurosis 1 (LCA1). Also called: AMAUROSIS CONGENITA OF LEBER I; RETINAL BLINDNESS, CONGENITAL; Congenital absence of the rods and cones; Leber's congenital tapetoretinal degeneration; Leber's congenital tapetoretinal dysplasia. Identifiers: Orphanet 65, MedGen C2931258, MONDO:0008764, OMIM 204000.

Allele frequency attached by ClinVar (database versions not stated): TOPMed below 0.00001; ExAC 0.00001; gnomAD 0.00001; gnomAD exomes 0.00002 and 0.00003.

Submissions (2):

Labcorp Genetics (formerly Invitae), Labcorp
Classification: Uncertain significance for Leber congenital amaurosis 1; Cone-rod dystrophy 6. Last evaluated: 2024-01-29. Review status: criteria provided, single submitter. Criteria: Invitae Variant Classification Sherloc (09022015). Collection method: clinical testing. Allele origin: germline.
Comment: This sequence change replaces valine, which is neutral and non-polar, with isoleucine, which is neutral and non-polar, at codon 618 of the GUCY2D protein (p.Val618Ile). This variant is present in population databases (rs767258249, gnomAD 0.01%). This variant has not been reported in the literature in individuals affected with GUCY2D-related conditions. ClinVar contains an entry for this variant (Variation ID: 1004719). Advanced modeling of protein sequence and biophysical properties (such as structural, functional, and spatial information, amino acid conservation, physicochemical variation, residue mobility, and thermodynamic stability) performed at Invitae indicates that this missense variant is not expected to disrupt GUCY2D protein function with a negative predictive value of 80%. In summary, the available evidence is currently insufficient to determine the role of this variant in disease. Therefore, it has been classified as a Variant of Uncertain Significance.

Blueprint Genetics
Classification: Uncertain significance. Last evaluated: 2019-08-30. Review status: criteria provided, single submitter. Criteria: ACMG Guidelines, 2015. Collection method: clinical testing. Allele origin: germline.